The following is an entry in ClinVar:

NM_000053.4(ATP7B):c.2851C>T (p.Gln951Ter)

Gene: ATP7B (ATPase copper transporting beta; minus strand). Cytogenetic location: 13q14.3.
Variant type: single nucleotide variant.
Coding change: c.2851C>T on transcript NM_000053.4 (MANE Select); coding-DNA position 2851, C replaced by T.
Protein change: p.Gln951Ter; replaces glutamine 951 with a stop codon.
Molecular consequence: nonsense. On other transcripts: intron variant (1).
Genome position (GRCh38, 1-based): chr13:51,949,676, G>A on the plus strand (C>T on the coding strand, the complement: ATP7B is on the minus strand). VCF-style: chr13-51949676-G-A. GRCh37 (hg19) VCF-style: chr13-52523812-G-A.
Other names: c.2518C>T, p.Gln840Ter (NM_001243182.2); c.2617C>T, p.Gln873Ter (NM_001330578.2, NM_001406538.1, NM_001406527.1 and 1 more transcripts); c.2599C>T, p.Gln867Ter (NM_001330579.2, NM_001406540.1, NM_001406531.1 and 1 more transcripts); c.2851C>T, p.Gln951Ter (NM_001406511.1, NM_001406512.1, NM_001406513.1 and 3 more transcripts); c.2818C>T, p.Gln940Ter (NM_001406514.1); c.2755C>T, p.Gln919Ter (NM_001406517.1, NM_001406518.1); c.2707C>T, p.Gln903Ter (NM_001406520.1, NM_001406521.1, NM_001406522.1 and 1 more transcripts); c.2422C>T, p.Gln808Ter (NM_001406539.1); and 9 more; short protein forms Q757*, Q808*, Q871*, Q521*, Q835*, Q841*, Q873*, Q892*.
Identifiers: ClinVar variation 2104374 (VCV002104374.4), dbSNP rs2547665922, ClinGen allele CA388033268.

ClinVar aggregate classification (germline): Pathogenic (1 of 4 stars; one submission).

Conditions:
Wilson disease (WND). Also called: Wilson's disease. Identifiers: Orphanet 905, MedGen C0019202, MONDO:0010200, OMIM 277900. Disease mechanism: loss of function.

Submission:

Labcorp Genetics (formerly Invitae), Labcorp
Classification: Pathogenic for Wilson disease. Last evaluated: 2022-05-25. Review status: criteria provided, single submitter. Criteria: Invitae Variant Classification Sherloc (09022015). Collection method: clinical testing. Allele origin: germline.
Comment: This variant is not present in population databases (gnomAD no frequency). This sequence change creates a premature translational stop signal (p.Gln951*) in the ATP7B gene. It is expected to result in an absent or disrupted protein product. Loss-of-function variants in ATP7B are known to be pathogenic (PMID: 10441329, 16283883). This variant has not been reported in the literature in individuals affected with ATP7B-related conditions. Algorithms developed to predict the effect of sequence changes on RNA splicing suggest that this variant may disrupt the consensus splice site. For these reasons, this variant has been classified as Pathogenic.

Literature cited by the submitters: PubMed 10441329; PubMed 16283883.